The following is an entry in ClinVar:

NM_002047.4(GARS1):c.47TGC[7] (p.Leu19_Leu20dup)

Gene: GARS1 (glycyl-tRNA synthetase 1; plus strand). Cytogenetic location: 7p14.3.
Variant type: Microsatellite.
Coding change: c.47TGC[7] on transcript NM_002047.4 (MANE Select); seven copies in a row of the 3-base unit TGC starting at c.47; the reference has five copies in a row; two copies, 6 bases duplicated.
Protein change: p.Leu19_Leu20dup.
Molecular consequence: inframe insertion. On other transcripts: 5 prime UTR variant (1).
Genome position (GRCh38, 1-based): chr7:30,594,977-30,594,982, TGCTGC duplicated; duplicating any 6 consecutive bases within chr7:30,594,967-30,594,982 gives the same sequence; the position shown is the placement nearest the transcript's 3' end. VCF-style (leftmost placement, unchanged base first): chr7-30594966-T-TCTGCTG. GRCh37 (hg19) VCF-style: chr7-30634582-T-TCTGCTG.
Other names: c.56_61dup6 (NM_002047.3); c.-116TGC[7] (NM_001316772.1).
Identifiers: ClinVar variation 543196 (VCV000543196.34), dbSNP rs150213018, ClinGen allele CA4205576.

ClinVar aggregate classification (germline): Uncertain significance. Review status: criteria provided, multiple submitters, no conflicts (2 of 4 stars). 4 submissions from 4 submitters: Uncertain significance (4). Last evaluated 2026-03-17.

Conditions:
Charcot-Marie-Tooth disease type 2. Also called: Charcot-Marie-Tooth type 2. Identifiers: Orphanet 64746, MedGen C0270914, MONDO:0018993.
GARS1-related disorder. Also called: GARS1-related condition.

Submissions (4):

PreventionGenetics, part of Exact Sciences
Classification: Uncertain significance for GARS1-related condition. Last evaluated: 2026-03-17. Review status: criteria provided, single submitter. Criteria: ACMG Guidelines, 2015. Collection method: clinical testing. Allele origin: germline.
Comment: The GARS1 c.56_61dup6 variant is predicted to result in an in-frame duplication (p.Leu19_Leu20dup). To our knowledge, this variant has not been reported in the literature. This variant is reported in 0.0066% of alleles in individuals of European (non-Finnish) descent in gnomAD. Although we suspect that this variant may be benign, at this time, the clinical significance of this variant is uncertain due to the absence of conclusive functional and genetic evidence.

GeneDx
Classification: Uncertain significance. Last evaluated: 2026-01-12. Review status: criteria provided, single submitter. Criteria: GeneDx Variant Classification Process June 2021. Collection method: clinical testing. Allele origin: germline. Affected: yes.
Comment: In-frame duplication of 2 amino acid(s) in a repetitive region with no known function; Has not been previously published as pathogenic or benign to our knowledge

Labcorp Genetics (formerly Invitae), Labcorp
Classification: Uncertain significance for Charcot-Marie-Tooth disease type 2. Last evaluated: 2025-12-13. Review status: criteria provided, single submitter. Criteria: Invitae Variant Classification Sherloc (09022015). Collection method: clinical testing. Allele origin: germline.
Comment: This variant, c.56_61dup, results in the insertion of 2 amino acid(s) of the GARS protein (p.Leu19_Leu20dup), but otherwise preserves the integrity of the reading frame. This variant is present in population databases (rs760759910, gnomAD 0.006%). This variant has not been reported in the literature in individuals affected with GARS-related conditions. ClinVar contains an entry for this variant (Variation ID: 543196). Experimental studies and prediction algorithms are not available or were not evaluated, and the functional significance of this variant is currently unknown. In summary, the available evidence is currently insufficient to determine the role of this variant in disease. Therefore, it has been classified as a Variant of Uncertain Significance.

CeGaT Center for Human Genetics Tuebingen
Classification: Uncertain significance. Last evaluated: 2024-05-01. Review status: criteria provided, single submitter. Criteria: CeGaT Center For Human Genetics Tuebingen Variant Classification Criteria Version 2. Collection method: clinical testing. Allele origin: germline. Affected: yes. Observed: 1 variant allele.